The following is an entry in ClinVar:

ClinVar aggregate classification (germline): Uncertain significance (1 of 4 stars; one submission).

Conditions:
Cardiovascular phenotype. Identifiers: MedGen CN230736.

Allele frequency attached by ClinVar (database versions not stated): gnomAD exomes below 0.00001; gnomAD 0.00001.
gnomAD v4.1: 2 of 1,460,696 alleles (0.00014%); highest among the groups gnomAD compares: African/African-American, 0.003%; no homozygotes.

Submission:

Ambry Genetics
Classification: Uncertain significance for Cardiovascular phenotype. Last evaluated: 2022-05-09. Review status: criteria provided, single submitter. Criteria: Ambry Variant Classification Scheme 2023. Collection method: clinical testing. Allele origin: germline.
Comment: The p.L18Q variant (also known as c.53T>A), located in coding exon 1 of the APOB gene, results from a T to A substitution at nucleotide position 53. The leucine at codon 18 is replaced by glutamine, an amino acid with dissimilar properties. This amino acid position is conserved. In addition, this alteration is predicted to be tolerated by in silico analysis. Since supporting evidence is limited at this time, the clinical significance of this alteration remains unclear.

NM_000384.3(APOB):c.53T>A (p.Leu18Gln)

Genes: APOB (apolipoprotein B; minus strand), LOC106560211 (APOB 5' regulatory region; plus strand). Cytogenetic location: 2p24.1.
Variant type: single nucleotide variant.
Coding change: c.53T>A on transcript NM_000384.3 (MANE Select); coding-DNA position 53, T replaced by A.
Protein change: p.Leu18Gln; replaces leucine 18 with glutamine.
Molecular consequence: missense variant.
Genome position (GRCh38, 1-based): chr2:21,043,893, A>T on the plus strand (T>A on the coding strand, the complement: APOB is on the minus strand). VCF-style: chr2-21043893-A-T. GRCh37 (hg19) VCF-style: chr2-21266765-A-T.
Other names: short protein forms L18Q.
Identifiers: ClinVar variation 1747305 (VCV001747305.2), dbSNP rs1664200226, ClinGen allele CA345966156.